The following is an entry in ClinVar:

ClinVar aggregate classification (germline): Uncertain significance (1 of 4 stars; one submission).

Allele frequency attached by ClinVar (database versions not stated): gnomAD exomes below 0.00001.
gnomAD v4.1: 4 of 1,614,162 alleles (0.00025%); highest among the groups gnomAD compares: Non-Finnish European, 0.00034%; no homozygotes.

Submission:

Labcorp Genetics (formerly Invitae), Labcorp
Classification: Uncertain significance. Last evaluated: 2022-10-31. Review status: criteria provided, single submitter. Criteria: Invitae Variant Classification Sherloc (09022015). Collection method: clinical testing. Allele origin: germline.
Comment: In summary, the available evidence is currently insufficient to determine the role of this variant in disease. Therefore, it has been classified as a Variant of Uncertain Significance. This sequence change falls in intron 13 of the PRPF8 gene. It does not directly change the encoded amino acid sequence of the PRPF8 protein. It affects a nucleotide within the consensus splice site. This variant is not present in population databases (gnomAD no frequency). This variant has not been reported in the literature in individuals affected with PRPF8-related conditions. Variants that disrupt the consensus splice site are a relatively common cause of aberrant splicing (PMID: 17576681, 9536098). Algorithms developed to predict the effect of sequence changes on RNA splicing suggest that this variant is not likely to affect RNA splicing.

Literature cited by the submitters: PubMed 17576681; PubMed 9536098.

NM_006445.4(PRPF8):c.1854+3G>A

Gene: PRPF8 (pre-mRNA processing factor 8; minus strand). Cytogenetic location: 17p13.3.
Variant type: single nucleotide variant.
Coding change: c.1854+3G>A on transcript NM_006445.4 (MANE Select); 3 bases into the intron after coding-DNA position 1854, G replaced by A.
Molecular consequence: intron variant.
Genome position (GRCh38, 1-based): chr17:1,678,515, C>T on the plus strand (G>A on the coding strand, the complement: PRPF8 is on the minus strand). VCF-style: chr17-1678515-C-T. GRCh37 (hg19) VCF-style: chr17-1581809-C-T.
Identifiers: ClinVar variation 2879270 (VCV002879270.3), dbSNP rs2543773687, ClinGen allele CA2635255537.